The following is an entry in ClinVar:

ClinVar aggregate classification (germline): Uncertain significance (1 of 4 stars; one submission).

Submission:

Women's Health and Genetics/Laboratory Corporation of America, LabCorp
Classification: Uncertain significance. Last evaluated: 2022-12-29. Review status: criteria provided, single submitter. Criteria: LabCorp Variant Classification Summary - May 2015. Collection method: clinical testing. Allele origin: germline.
Comment: Variant summary: DHCR24 c.55_56insCGCC (p.Arg19ProfsX69) results in a premature termination codon, predicted to cause a truncation of the encoded protein or absence of the protein due to nonsense mediated decay, which are commonly known mechanisms for disease. To our knowledge only a few truncations have been reported in affected individuals, with limited phenotype details (PMID 33027564, 34930662) therefore current evidence is not sufficient to clearly establish whether loss-of-function variant can cause disease. The variant allele was found at a frequency of 4.2e-06 in 240794 control chromosomes (gnomAD). However, this frequency does not allow conclusions about variant significance. To our knowledge, no occurrence of c.55_56insCGCC in individuals affected with Desmosterolosis and no experimental evidence demonstrating its impact on protein function have been reported. No clinical diagnostic laboratories have submitted clinical-significance assessments for this variant to ClinVar after 2014. Based on the evidence outlined above, the variant was classified as VUS-possibly pathogenic.

NM_014762.4(DHCR24):c.55_56insCGCC (p.Arg19fs)

Gene: DHCR24 (24-dehydrocholesterol reductase; minus strand). Cytogenetic location: 1p32.3.
Variant type: Insertion.
Coding change: c.55_56insCGCC on transcript NM_014762.4 (MANE Select); coding-DNA positions 55 to 56, CGCC inserted.
Protein change: p.Arg19fs; shifts the reading frame from arginine 19.
Molecular consequence: frameshift variant.
Genome position: GRCh38 VCF-style: chr1-54887064-C-CGGCG. GRCh37 (hg19) VCF-style: chr1-55352737-C-CGGCG.
Other names: short protein forms R19fs.
Identifiers: ClinVar variation 1878409 (VCV001878409.1), dbSNP rs1557442256, ClinGen allele CA523275267.